The following is an entry in ClinVar:

NM_007272.3(CTRC):c.382G>A (p.Ala128Thr)

Gene: CTRC (chymotrypsin C; plus strand). Cytogenetic location: 1p36.21.
Variant type: single nucleotide variant.
Coding change: c.382G>A on transcript NM_007272.3 (MANE Select); coding-DNA position 382, G replaced by A.
Protein change: p.Ala128Thr; replaces alanine 128 with threonine.
Molecular consequence: missense variant.
Genome position (GRCh38, 1-based): chr1:15,443,444, G>A. VCF-style: chr1-15443444-G-A. GRCh37 (hg19) VCF-style: chr1-15769939-G-A.
Other names: short protein forms A128T.
Identifiers: ClinVar variation 1735338 (VCV001735338.3), dbSNP rs779378073, ClinGen allele CA613335.

ClinVar aggregate classification (germline): Uncertain significance (1 of 4 stars; one submission).

Conditions:
Hereditary pancreatitis (PCTT). Also called: Hereditary chronic pancreatitis; PRSS1-Related Hereditary Pancreatitis. Identifiers: Orphanet 676, MedGen C0238339, MONDO:0008185, OMIM 167800.

Allele frequency attached by ClinVar (database versions not stated): ExAC 0.00001; gnomAD exomes 0.00001.
gnomAD v4.1: 3 of 1,614,200 alleles (0.00019%); highest among the groups gnomAD compares: Admixed American, 0.005%; no homozygotes.

Submission:

Ambry Genetics
Classification: Uncertain significance for Hereditary pancreatitis. Last evaluated: 2025-01-06. Review status: criteria provided, single submitter. Criteria: Ambry Variant Classification Scheme 2023. Collection method: clinical testing. Allele origin: germline.
Comment: The p.A128T variant (also known as c.382G>A), located in coding exon 5 of the CTRC gene, results from a G to A substitution at nucleotide position 382. The alanine at codon 128 is replaced by threonine, an amino acid with similar properties. This amino acid position is conserved. In addition, this alteration is predicted to be tolerated by in silico analysis. Since supporting evidence is limited at this time, the clinical significance of this alteration remains unclear.